The following is an entry in ClinVar:

ClinVar aggregate classification (germline): Uncertain significance (1 of 4 stars; one submission).

Conditions:
Cardiomyopathy (CMYO). Also called: Cardiomyopathies. Identifiers: Orphanet 167848, MedGen C0878544, MONDO:0004994, HP:0001638. Inheritance: Various modes of inheritance.

Submission:

Color Diagnostics, LLC DBA Color Health
Classification: Uncertain significance for Cardiomyopathy. Last evaluated: 2019-11-25. Review status: criteria provided, single submitter. Criteria: ACMG Guidelines, 2015. Collection method: clinical testing. Allele origin: germline.
Comment: This missense variant replaces methionine with threonine at codon 2843 of the RYR2 protein. Computational prediction tool suggests that this variant may not impact protein structure and function (internally defined REVEL score threshold ≤0.5, PMID: 27666373). Splice site prediction tools suggest that this variant may not impact RNA splicing. To our knowledge, functional studies have not been performed for this variant. This variant has not been reported in individuals affected with cardiovascular disorders in the literature. This variant has not been identified in the general population by the Genome Aggregation Database (gnomAD). The available evidence is insufficient to determine the role of this variant in disease conclusively. Therefore, this variant is classified as a Variant of Uncertain Significance.

NM_001035.3(RYR2):c.8528T>C (p.Met2843Thr)

Gene: RYR2 (ryanodine receptor 2; plus strand). Cytogenetic location: 1q43.
Variant type: single nucleotide variant.
Coding change: c.8528T>C on transcript NM_001035.3 (MANE Select); coding-DNA position 8528, T replaced by C.
Protein change: p.Met2843Thr; replaces methionine 2843 with threonine.
Molecular consequence: missense variant.
Genome position (GRCh38, 1-based): chr1:237,667,896, T>C. VCF-style: chr1-237667896-T-C. GRCh37 (hg19) VCF-style: chr1-237831196-T-C.
Other names: short protein forms M2843T.
Identifiers: ClinVar variation 924956 (VCV000924956.3), dbSNP rs1259507136, ClinGen allele CA345402390.